The following is an entry in ClinVar:

ClinVar aggregate classification (germline): Likely benign. Review status: criteria provided, multiple submitters, no conflicts (2 of 4 stars). 5 submissions from 5 submitters: Likely benign (5). Last evaluated 2026-01-27.

Conditions:
Apparent mineralocorticoid excess (AME). Also called: CORTISOL 11-BETA-KETOREDUCTASE DEFICIENCY. Identifiers: Orphanet 320, MedGen C0342488, MONDO:0009025, OMIM 218030.

Allele frequency attached by ClinVar (database versions not stated): 1000 Genomes Project 30x 0.00047; 1000 Genomes Project 0.00060; gnomAD 0.00110; TOPMed 0.00127; ESP Exome Variant Server 0.00223.

Submissions (5):

Labcorp Genetics (formerly Invitae), Labcorp
Classification: Likely benign. Last evaluated: 2026-01-27. Review status: criteria provided, single submitter. Criteria: Invitae Variant Classification Sherloc (09022015). Collection method: clinical testing. Allele origin: germline.

Women's Health and Genetics/Laboratory Corporation of America, LabCorp
Classification: Likely benign. Last evaluated: 2026-01-19. Review status: criteria provided, single submitter. Criteria: LabCorp Variant Classification Summary - May 2015. Collection method: clinical testing. Allele origin: germline.

Blueprint Genetics
Classification: Likely benign. Last evaluated: 2024-10-28. Review status: criteria provided, single submitter. Criteria: ACMG Guidelines, 2015. Collection method: clinical testing. Allele origin: germline.

CeGaT Center for Human Genetics Tuebingen
Classification: Likely benign. Last evaluated: 2022-07-01. Review status: criteria provided, single submitter. Criteria: CeGaT Center For Human Genetics Tuebingen Variant Classification Criteria Version 2. Collection method: clinical testing. Allele origin: germline. Affected: yes. Observed: 1 variant allele.
Comment: HSD11B2: BP4, BP7

Fulgent Genetics
Classification: Likely benign for Apparent mineralocorticoid excess. Last evaluated: 2021-11-18. Review status: criteria provided, single submitter. Criteria: ACMG Guidelines, 2015. Collection method: clinical testing. Allele origin: unknown.

NM_000196.4(HSD11B2):c.1164C>T (p.Asp388=)

Gene: HSD11B2 (hydroxysteroid 11-beta dehydrogenase 2; plus strand). Cytogenetic location: 16q22.1.
Variant type: single nucleotide variant.
Coding change: c.1164C>T on transcript NM_000196.4 (MANE Select); coding-DNA position 1164, C replaced by T.
Protein change: p.Asp388=; no amino-acid change (aspartic acid 388 retained).
Molecular consequence: synonymous variant.
Genome position (GRCh38, 1-based): chr16:67,436,949, C>T. VCF-style: chr16-67436949-C-T. GRCh37 (hg19) VCF-style: chr16-67470852-C-T.
Identifiers: ClinVar variation 731191 (VCV000731191.36), dbSNP rs45578842, ClinGen allele CA8110823.